The following is an entry in ClinVar:

NM_001365536.1(SCN9A):c.4767C>T (p.Ser1589=)

Genes: SCN1A-AS1 (SCN1A and SCN9A antisense RNA 1; plus strand), SCN9A (sodium voltage-gated channel alpha subunit 9; minus strand). Cytogenetic location: 2q24.3.
Variant type: single nucleotide variant.
Coding change: c.4767C>T on transcript NM_001365536.1 (MANE Select); coding-DNA position 4767, C replaced by T.
Protein change: p.Ser1589=; no amino-acid change (serine 1589 retained).
Molecular consequence: synonymous variant.
Genome position (GRCh38, 1-based): chr2:166,203,962, G>A on the plus strand (C>T on the coding strand, the complement: SCN9A is on the minus strand). VCF-style: chr2-166203962-G-A. GRCh37 (hg19) VCF-style: chr2-167060472-G-A.
Other names: c.4734C>T, p.Ser1578= (NM_002977.4).
Identifiers: ClinVar variation 538498 (VCV000538498.14), dbSNP rs200690956, ClinGen allele CA1943794.

ClinVar aggregate classification (germline): Likely benign. Review status: criteria provided, multiple submitters, no conflicts (2 of 4 stars). 4 submissions from 4 submitters: Likely benign (3). 1 of the submissions does not count toward it. Last evaluated 2025-09-14.

Conditions:
Neuropathy, hereditary sensory and autonomic, type 2A (HSAN2A). Also called: ACROOSTEOLYSIS, GIACCAI TYPE; ACROOSTEOLYSIS, NEUROGENIC; MORVAN DISEASE; NEUROPATHY, CONGENITAL SENSORY; NEUROPATHY, HEREDITARY SENSORY RADICULAR, AUTOSOMAL RECESSIVE; NEUROPATHY, HEREDITARY SENSORY, TYPE IIA. Identifiers: Orphanet 970, MedGen C2752089, MONDO:0024309, OMIM 201300.
Generalized epilepsy with febrile seizures plus, type 7 (GEFSP7). Also called: GEFS+, TYPE 7. Identifiers: Orphanet 36387, MedGen C2751778, MONDO:0013470, OMIM 613863.
SCN9A-related disorder. Also called: SCN9A-related condition; SCN9A-related disorders.
Inborn genetic diseases. Identifiers: MedGen C0950123, MeSH D030342.

Allele frequency attached by ClinVar (database versions not stated): gnomAD exomes below 0.00001; ExAC 0.00001; TOPMed 0.00002; gnomAD 0.00003; ESP Exome Variant Server 0.00008.

Submissions (4):

Labcorp Genetics (formerly Invitae), Labcorp
Classification: Likely benign for Neuropathy, hereditary sensory and autonomic, type 2A; Generalized epilepsy with febrile seizures plus, type 7. Last evaluated: 2025-09-14. Review status: criteria provided, single submitter. Criteria: Invitae Variant Classification Sherloc (09022015). Collection method: clinical testing. Allele origin: germline.

Blueprint Genetics
Classification: Likely benign. Last evaluated: 2024-10-23. Review status: criteria provided, single submitter. Criteria: ACMG Guidelines, 2015. Collection method: clinical testing. Allele origin: germline.

Ambry Genetics
Classification: Likely benign for Inborn genetic diseases. Last evaluated: 2019-07-11. Review status: criteria provided, single submitter. Criteria: Ambry Variant Classification Scheme 2023. Collection method: clinical testing. Allele origin: germline.

PreventionGenetics, part of Exact Sciences
Classification: Likely benign for SCN9A-related condition. Last evaluated: 2021-05-13. Review status: no assertion criteria provided. Collection method: clinical testing. Allele origin: germline. Not counted in ClinVar's aggregate classification.
Comment: This variant is classified as likely benign based on ACMG/AMP sequence variant interpretation guidelines (Richards et al. 2015 PMID: 25741868, with internal and published modifications).